The following is an entry in ClinVar:

NM_000135.4(FANCA):c.3981C>T (p.His1327=)

Genes: FANCA (FA complementation group A; minus strand), ZNF276 (zinc finger protein 276; plus strand). Cytogenetic location: 16q24.3.
Variant type: single nucleotide variant.
Coding change: c.3981C>T on transcript NM_000135.4 (MANE Select); coding-DNA position 3981, C replaced by T.
Protein change: p.His1327=; no amino-acid change (histidine 1327 retained).
Molecular consequence: synonymous variant. On other transcripts: 3 prime UTR variant (2), non-coding transcript variant (4).
Genome position (GRCh38, 1-based): chr16:89,739,507, G>A on the plus strand (C>T on the coding strand, the complement: FANCA is on the minus strand). VCF-style: chr16-89739507-G-A. GRCh37 (hg19) VCF-style: chr16-89805915-G-A.
Other names: p.His1327=; c.3981C>T, p.His1327= (NM_001286167.3); c.*1261G>A (NM_001113525.2, NM_152287.4).
Identifiers: ClinVar variation 215634 (VCV000215634.47), dbSNP rs141278771, ClinGen allele CA337861.

ClinVar aggregate classification (germline): Conflicting classifications of pathogenicity. Review status: criteria provided, conflicting classifications (1 of 4 stars). 10 submissions from 10 submitters: Uncertain significance (1); Likely benign (9). Last evaluated 2026-06-01.

Conditions:
Inborn genetic diseases. Identifiers: MedGen C0950123, MeSH D030342.
Fanconi anemia (FA). Also called: Fanconi's anemia. Identifiers: Orphanet 84, MedGen C0015625, MeSH D005199, MONDO:0019391.
Fanconi anemia complementation group A (FANCA). Also called: FANCA-Related Fanconi Anemia; Fanconi anemia, group A. Identifiers: Orphanet 84, MedGen C3469521, MONDO:0009215, OMIM 227650.

Allele frequency attached by ClinVar (database versions not stated): 1000 Genomes Project 30x 0.00016; 1000 Genomes Project 0.00020; ExAC 0.00030; ESP Exome Variant Server 0.00032; gnomAD 0.00036 and 0.00040; TOPMed 0.00037; gnomAD exomes 0.00039.

Submissions (10):

CeGaT Center for Human Genetics Tuebingen
Classification: Likely benign. Last evaluated: 2026-06-01. Review status: criteria provided, single submitter. Criteria: CeGaT Center For Human Genetics Tuebingen Variant Classification Criteria Version 2. Collection method: clinical testing. Allele origin: germline. Affected: yes. Observed: 12 variant alleles.
Comment: FANCA: BP4, BP7

Labcorp Genetics (formerly Invitae), Labcorp
Classification: Likely benign for Fanconi anemia. Last evaluated: 2026-01-28. Review status: criteria provided, single submitter. Criteria: Invitae Variant Classification Sherloc (09022015). Collection method: clinical testing. Allele origin: germline.

Mayo Clinic Laboratories, Mayo Clinic
Classification: Likely benign. Last evaluated: 2025-08-11. Review status: criteria provided, single submitter. Criteria: ACMG Guidelines, 2015. Collection method: clinical testing. Allele origin: germline. Observed: 3 variant alleles.
Comment: BP4, BP7

Blueprint Genetics
Classification: Likely benign. Last evaluated: 2024-11-21. Review status: criteria provided, single submitter. Criteria: ACMG Guidelines, 2015. Collection method: clinical testing. Allele origin: germline.

Ambry Genetics
Classification: Likely benign for Inborn genetic diseases. Last evaluated: 2024-10-15. Review status: criteria provided, single submitter. Criteria: Ambry Variant Classification Scheme 2023. Collection method: clinical testing. Allele origin: germline.

Quest Diagnostics Nichols Institute San Juan Capistrano
Classification: Likely benign. Last evaluated: 2023-04-18. Review status: criteria provided, single submitter. Criteria: Quest Diagnostics criteria. Collection method: clinical testing. Allele origin: unknown.

Center for Genomics, Ann and Robert H. Lurie Children's Hospital of Chicago
Classification: Likely benign for Fanconi anemia complementation group A. Last evaluated: 2022-01-28. Review status: criteria provided, single submitter. Criteria: ACMG Guidelines, 2015. Collection method: clinical testing. Allele origin: germline.
Comment: This variant has not been reported in the literature but is present in 0.06% (42/75386) of European alleles in the Genome Aggregation Database and in ClinVar (Variation ID:215634). Evolutionary conservation and computational predictive tools for this variant are limited or unavailable. Of note, this variant is a silent variant and does not change the amino acid, reducing the probability that this variant is disease causing. In summary, data on this variant suggests that this variant does not cause disease but requires further evidence. Therefore, this variant is classified as Likely Benign.

Genetic Services Laboratory, University of Chicago
Classification: Likely benign. Last evaluated: 2021-05-27. Review status: criteria provided, single submitter. Criteria: ACMG Guidelines, 2015. Collection method: clinical testing. Allele origin: germline. Affected: no.

Sema4
Classification: Likely benign for Fanconi anemia. Last evaluated: 2021-05-19. Review status: criteria provided, single submitter. Criteria: Sema4 Curation Guidelines. Collection method: curation. Allele origin: germline.

Illumina Laboratory Services, Illumina
Classification: Uncertain significance for Fanconi anemia complementation group A. Last evaluated: 2017-04-27. Review status: criteria provided, single submitter. Criteria: ICSL Variant Classification Criteria 13 December 2019. Collection method: clinical testing. Allele origin: germline.
Comment: This variant was observed as part of a predisposition screen in an ostensibly healthy population. A literature search was performed for the gene, cDNA change, and amino acid change (where applicable). Publications were found based on this search. However, the evidence from the literature, in combination with allele frequency data from public databases where available, was not sufficient to rule this variant in or out of causing disease. Therefore, this variant is classified as a variant of unknown significance.

Literature cited by the submitters: PubMed 23021409 (cited by Quest Diagnostics Nichols Institute San Juan Capistrano and Illumina Laboratory Services, Illumina).